The following is an entry in ClinVar:

ClinVar aggregate classification (germline): Pathogenic. Review status: criteria provided, multiple submitters, no conflicts (2 of 4 stars). 3 submissions from 3 submitters: Pathogenic (3). Last evaluated 2024-08-12.

Conditions:
LMNA-related disorder. Also called: LMNA-related disorders; LMNA-related condition; LMNA-related disease. Identifiers: MedGen CN380145.
Charcot-Marie-Tooth disease type 2. Also called: Charcot-Marie-Tooth type 2. Identifiers: Orphanet 64746, MedGen C0270914, MONDO:0018993.

Submissions (3):

Labcorp Genetics (formerly Invitae), Labcorp
Classification: Pathogenic for Charcot-Marie-Tooth disease type 2. Last evaluated: 2024-08-12. Review status: criteria provided, single submitter. Criteria: Invitae Variant Classification Sherloc (09022015). Collection method: clinical testing. Allele origin: germline.
Comment: This sequence change creates a premature translational stop signal (p.Arg296Glnfs*35) in the LMNA gene. It is expected to result in an absent or disrupted protein product. Loss-of-function variants in LMNA are known to be pathogenic (PMID: 18585512, 18926329). This variant is not present in population databases (gnomAD no frequency). This premature translational stop signal has been observed in individual(s) with dilated cardiomyopathy (PMID: 29095976). ClinVar contains an entry for this variant (Variation ID: 197776). For these reasons, this variant has been classified as Pathogenic.

Blueprint Genetics
Classification: Pathogenic for LMNA-related disorders. Last evaluated: 2023-09-29. Review status: criteria provided, single submitter. Criteria: ACMG Guidelines, 2015. Collection method: clinical testing. Allele origin: germline. Affected: yes. Observed: 4 variant alleles.

Eurofins Ntd Llc (ga)
Classification: Pathogenic. Last evaluated: 2015-04-20. Review status: criteria provided, single submitter. Criteria: EGL Classification Definitions 2015. Collection method: clinical testing. Allele origin: germline. Observed: 1 variant allele, 1 heterozygote.

Literature cited by the submitters: PubMed 18585512 (cited by Labcorp Genetics (formerly Invitae), Labcorp); PubMed 18926329 (cited by Labcorp Genetics (formerly Invitae), Labcorp); PubMed 29095976 (cited by Labcorp Genetics (formerly Invitae), Labcorp).

NM_170707.4(LMNA):c.886_887insA (p.Arg296fs)

Gene: LMNA (lamin A/C; plus strand). Cytogenetic location: 1q22.
Variant type: Insertion.
Coding change: c.886_887insA on transcript NM_170707.4 (MANE Select); coding-DNA positions 886 to 887, A inserted.
Protein change: p.Arg296fs; shifts the reading frame from arginine 296.
Molecular consequence: frameshift variant.
Genome position: GRCh38 VCF-style: chr1-156135262-C-CA. GRCh37 (hg19) VCF-style: chr1-156105053-C-CA.
Other names: c.550_551insA, p.Arg184fs (NM_001257374.3); c.643_644insA, p.Arg215fs (NM_001282624.2); c.886_887insA, p.Arg296fs (NM_001282625.2, NM_001282626.2, NM_005572.4 and 1 more transcripts); short protein forms R184fs, R215fs, R296fs.
Identifiers: ClinVar variation 197776 (VCV000197776.14), dbSNP rs797044758, ClinGen allele CA275309.